The following is an entry in ClinVar:

ClinVar aggregate classification (germline): Uncertain significance (1 of 4 stars; one submission).

Conditions:
Cardiovascular phenotype. Identifiers: MedGen CN230736.

gnomAD v4.1: 1 of 1,612,410 alleles (0.000062%); highest among the groups gnomAD compares: South Asian, 0.0011%; no homozygotes.

Submission:

Ambry Genetics
Classification: Uncertain significance for Cardiovascular phenotype. Last evaluated: 2026-03-11. Review status: criteria provided, single submitter. Criteria: Ambry Variant Classification Scheme 2023. Collection method: clinical testing. Allele origin: germline.
Comment: The p.L2593F variant (also known as c.7777C>T), located in coding exon 21 of the TNXB gene, results from a C to T substitution at nucleotide position 7777. The leucine at codon 2593 is replaced by phenylalanine, an amino acid with highly similar properties. This amino acid position is conserved. In addition, this alteration is predicted to be tolerated by in silico analysis. Based on the available evidence, the clinical significance of this variant remains unclear.

NM_001365276.2(TNXB):c.7777C>T (p.Leu2593Phe)

Gene: TNXB (tenascin XB; minus strand). Cytogenetic location: 6p21.33.
Variant type: single nucleotide variant.
Coding change: c.7777C>T on transcript NM_001365276.2 (MANE Select); coding-DNA position 7777, C replaced by T.
Protein change: p.Leu2593Phe; replaces leucine 2593 with phenylalanine.
Molecular consequence: missense variant.
Genome position (GRCh38, 1-based): chr6:32,058,106, G>A on the plus strand (C>T on the coding strand, the complement: TNXB is on the minus strand). VCF-style: chr6-32058106-G-A. GRCh37 (hg19) VCF-style: chr6-32025883-G-A.
Other names: c.8518C>T, p.Leu2840Phe (NM_001428335.1); c.7777C>T, p.Leu2593Phe (NM_019105.8); short protein forms L2593F, L2840F.
Identifiers: ClinVar variation 4826808 (VCV004826808.1).
Genomic context (GRCh38, chr6:32,058,106, plus strand): 5'-ACACTCACTCACCTGTGACGCCCACGGCAGACACCGGGCCCAGGCGCCGCCCCTCGTGGA[G>A]GCCGTACAGGTGCATCTTGTACTTGCGCCCAGGCTCCAGGCCCCTCACAGTGACCTTGCT-3'
Protein context (NP_001352205.1, residues 2583-2603): GRKYKMHLYG[Leu2593Phe]HEGRRLGPVS